The following is an entry in ClinVar:

NM_016123.4(IRAK4):c.1229T>C (p.Ile410Thr)

Gene: IRAK4 (interleukin 1 receptor associated kinase 4; plus strand). Cytogenetic location: 12q12.
Variant type: single nucleotide variant.
Coding change: c.1229T>C on transcript NM_016123.4 (MANE Select); coding-DNA position 1229, T replaced by C.
Protein change: p.Ile410Thr; replaces isoleucine 410 with threonine.
Molecular consequence: missense variant.
Genome position (GRCh38, 1-based): chr12:43,786,439, T>C. VCF-style: chr12-43786439-T-C. GRCh37 (hg19) VCF-style: chr12-44180242-T-C.
Other names: c.1229T>C, p.Ile410Thr (NM_001114182.3, NM_001351345.2); c.857T>C, p.Ile286Thr (NM_001145256.2, NM_001145257.2, NM_001145258.2 and 5 more transcripts); c.620T>C, p.Ile207Thr (NM_001351343.2, NM_001351344.2); short protein forms I286T, I410T, I207T.
Identifiers: ClinVar variation 847662 (VCV000847662.7), dbSNP rs146538989, ClinGen allele CA6522621.

ClinVar aggregate classification (germline): Uncertain significance. Review status: criteria provided, multiple submitters, no conflicts (2 of 4 stars). 3 submissions from 3 submitters: Uncertain significance (3). Last evaluated 2024-11-11.

Conditions:
Inborn genetic diseases. Identifiers: MedGen C0950123, MeSH D030342.
Immunodeficiency 67. Also called: Immunodeficiency due to interleukin-1 receptor-associated kinase-4 deficiency. Identifiers: Orphanet 70592, MedGen C1843256, MONDO:0011888, OMIM 607676.

Allele frequency attached by ClinVar (database versions not stated): ExAC 0.00003; gnomAD exomes 0.00004 and 0.00007; gnomAD 0.00005; TOPMed 0.00007; ESP Exome Variant Server 0.00008.

Submissions (3):

Ambry Genetics
Classification: Uncertain significance for Inborn genetic diseases. Last evaluated: 2024-11-11. Review status: criteria provided, single submitter. Criteria: Ambry Variant Classification Scheme 2023. Collection method: clinical testing. Allele origin: germline.

Blueprint Genetics
Classification: Uncertain significance. Last evaluated: 2024-06-13. Review status: criteria provided, single submitter. Criteria: ACMG Guidelines, 2015. Collection method: clinical testing. Allele origin: germline.

Labcorp Genetics (formerly Invitae), Labcorp
Classification: Uncertain significance for Immunodeficiency 67. Last evaluated: 2022-08-15. Review status: criteria provided, single submitter. Criteria: Invitae Variant Classification Sherloc (09022015). Collection method: clinical testing. Allele origin: germline.
Comment: This sequence change replaces isoleucine, which is neutral and non-polar, with threonine, which is neutral and polar, at codon 410 of the IRAK4 protein (p.Ile410Thr). This variant is present in population databases (rs146538989, gnomAD 0.01%). This variant has not been reported in the literature in individuals affected with IRAK4-related conditions. ClinVar contains an entry for this variant (Variation ID: 847662). Algorithms developed to predict the effect of missense changes on protein structure and function are either unavailable or do not agree on the potential impact of this missense change (SIFT: "Tolerated"; PolyPhen-2: "Probably Damaging"; Align-GVGD: "Class C0"). In summary, the available evidence is currently insufficient to determine the role of this variant in disease. Therefore, it has been classified as a Variant of Uncertain Significance.